The following is an entry in ClinVar:

NM_001037333.3(CYFIP2):c.666+18G>A

Gene: CYFIP2 (cytoplasmic FMR1 interacting protein 2; plus strand). Cytogenetic location: 5q33.3.
Variant type: single nucleotide variant.
Coding change: c.666+18G>A on transcript NM_001037333.3 (MANE Select); 18 bases into the intron after coding-DNA position 666, G replaced by A.
Molecular consequence: intron variant.
Genome position (GRCh38, 1-based): chr5:157,302,908, G>A. VCF-style: chr5-157302908-G-A. GRCh37 (hg19) VCF-style: chr5-156729916-G-A.
Other names: c.666+18G>A (NM_001291722.2, NM_014376.4); c.588+18G>A (NM_001291721.2).
Identifiers: ClinVar variation 1723401 (VCV001723401.1), dbSNP rs2532315004, ClinGen allele CA2580073952.

ClinVar aggregate classification (germline): Uncertain significance (1 of 4 stars; one submission).

Submission:

Women's Health and Genetics/Laboratory Corporation of America, LabCorp
Classification: Uncertain significance. Last evaluated: 2022-10-28. Review status: criteria provided, single submitter. Criteria: LabCorp Variant Classification Summary - May 2015. Collection method: clinical testing. Allele origin: germline.
Comment: Variant summary: CYFIP2 c.666+18G>A alters a conserved nucleotide located close to a canonical splice site and therefore could affect mRNA splicing, leading to a significantly altered protein sequence. 4/4 computational tools predict no significant impact on normal splicing. However, these predictions have yet to be confirmed by functional studies. The variant was absent in 166510 control chromosomes. The available data on variant occurrences in the general population are insufficient to allow any conclusion about variant significance. To our knowledge, no occurrence of c.666+18G>A in individuals affected with Developmental And Epileptic Encephalopathy, 65 and no experimental evidence demonstrating its impact on protein function have been reported. No clinical diagnostic laboratories have submitted clinical-significance assessments for this variant to ClinVar after 2014. Based on the evidence outlined above, the variant was classified as uncertain significance.